The following is an entry in ClinVar:

NM_000186.4(CFH):c.2839G>C (p.Asp947His)

Gene: CFH (complement factor H; plus strand). Cytogenetic location: 1q31.3.
Variant type: single nucleotide variant.
Coding change: c.2839G>C on transcript NM_000186.4 (MANE Select); coding-DNA position 2839, G replaced by C.
Protein change: p.Asp947His; replaces aspartic acid 947 with histidine.
Molecular consequence: missense variant.
Genome position (GRCh38, 1-based): chr1:196,740,675, G>C. VCF-style: chr1-196740675-G-C. GRCh37 (hg19) VCF-style: chr1-196709805-G-C.
Other names: short protein forms D947H.
Identifiers: ClinVar variation 2891627 (VCV002891627.4), dbSNP rs777588011, ClinGen allele CA1305759.

ClinVar aggregate classification (germline): Uncertain significance. Review status: criteria provided, multiple submitters, no conflicts (2 of 4 stars). 2 submissions from 2 submitters: Uncertain significance (2). Last evaluated 2026-01-20.

Conditions:
Inborn genetic diseases. Identifiers: MedGen C0950123, MeSH D030342.

Allele frequency attached by ClinVar (database versions not stated): ExAC 0.00001; gnomAD 0.00001; gnomAD exomes 0.00002; TOPMed 0.00003.
gnomAD v4.1: 38 of 1,613,760 alleles (0.0024%); highest among the groups gnomAD compares: Non-Finnish European, 0.0031%; no homozygotes.

Submissions (2):

Labcorp Genetics (formerly Invitae), Labcorp
Classification: Uncertain significance. Last evaluated: 2026-01-20. Review status: criteria provided, single submitter. Criteria: Invitae Variant Classification Sherloc (09022015). Collection method: clinical testing. Allele origin: germline.
Comment: This sequence change replaces aspartic acid, which is acidic and polar, with histidine, which is basic and polar, at codon 947 of the CFH protein (p.Asp947His). This variant is present in population databases (rs777588011, gnomAD 0.0009%). This variant has not been reported in the literature in individuals affected with CFH-related conditions. ClinVar contains an entry for this variant (Variation ID: 2891627). An algorithm developed to predict the effect of missense changes on protein structure and function (PolyPhen-2) suggests that this variant is likely to be disruptive. In summary, the available evidence is currently insufficient to determine the role of this variant in disease. Therefore, it has been classified as a Variant of Uncertain Significance.

Ambry Genetics
Classification: Uncertain significance for Inborn genetic diseases. Last evaluated: 2025-01-08. Review status: criteria provided, single submitter. Criteria: Ambry Variant Classification Scheme 2023. Collection method: clinical testing. Allele origin: germline.